The following is an entry in ClinVar:

ClinVar aggregate classification (germline): Uncertain significance (1 of 4 stars; one submission).

Allele frequency attached by ClinVar (database versions not stated): TOPMed below 0.00001; gnomAD 0.00001.
gnomAD v4.1: 1 of 1,601,758 alleles (0.000062%); highest among the groups gnomAD compares: African/African-American, 0.0014%; no homozygotes.

Submission:

Labcorp Genetics (formerly Invitae), Labcorp
Classification: Uncertain significance. Last evaluated: 2021-10-11. Review status: criteria provided, single submitter. Criteria: Invitae Variant Classification Sherloc (09022015). Collection method: clinical testing. Allele origin: germline.
Comment: This sequence change replaces glutamine with arginine at codon 384 of the CWC27 protein (p.Gln384Arg). The glutamine residue is moderately conserved and there is a small physicochemical difference between glutamine and arginine. This variant is not present in population databases (ExAC no frequency). This variant has not been reported in the literature in individuals affected with CWC27-related conditions. Algorithms developed to predict the effect of missense changes on protein structure and function are either unavailable or do not agree on the potential impact of this missense change (SIFT: "Tolerated"; PolyPhen-2: "Possibly Damaging"; Align-GVGD: "Class C0"). Algorithms developed to predict the effect of sequence changes on RNA splicing suggest that this variant may disrupt the consensus splice site. In summary, the available evidence is currently insufficient to determine the role of this variant in disease. Therefore, it has been classified as a Variant of Uncertain Significance.

NM_005869.4(CWC27):c.1151A>G (p.Gln384Arg)

Gene: CWC27 (CWC27 spliceosome associated cyclophilin; plus strand). Cytogenetic location: 5q12.3.
Variant type: single nucleotide variant.
Coding change: c.1151A>G on transcript NM_005869.4 (MANE Select); coding-DNA position 1151, A replaced by G.
Protein change: p.Gln384Arg; replaces glutamine 384 with arginine.
Molecular consequence: missense variant.
Genome position (GRCh38, 1-based): chr5:64,971,811, A>G. VCF-style: chr5-64971811-A-G. GRCh37 (hg19) VCF-style: chr5-64267638-A-G.
Other names: c.1151A>G, p.Gln384Arg (NM_001297644.1); short protein forms Q384R.
Identifiers: ClinVar variation 1499761 (VCV001499761.6), dbSNP rs1271477717, ClinGen allele CA359963670.
Genomic context (GRCh38, chr5:64,971,811, plus strand): 5'-AGCAAAAGTATGAAGCTTTGAGGAAGCAACAGTCAAAGAAGGGAACTTCCCGGGAAGATC[A>G]GGTAACTTCAAAAACCCAAATCCATACAGAACTTATTGTCTTTTTATTGTTTTTAAGTGT-3'
Protein context (NP_005860.2, residues 374-394): QSKKGTSRED[Gln384Arg]TLALLNQFKS